The following is an entry in ClinVar:

NM_001113491.2(SEPTIN9):c.320G>A (p.Arg107His)

Gene: SEPTIN9 (septin 9; plus strand). Cytogenetic location: 17q25.3.
Variant type: single nucleotide variant.
Coding change: c.320G>A on transcript NM_001113491.2 (MANE Select); coding-DNA position 320, G replaced by A.
Protein change: p.Arg107His; replaces arginine 107 with histidine.
Molecular consequence: missense variant. On other transcripts: 5 prime UTR variant (2).
Genome position (GRCh38, 1-based): chr17:77,402,302, G>A. VCF-style: chr17-77402302-G-A. GRCh37 (hg19) VCF-style: chr17-75398384-G-A.
Other names: c.-173G>A (NM_001113492.2, NM_001113494.1); c.299G>A, p.Arg100His (NM_001113493.2); c.263G>A, p.Arg88His (NM_001293695.2); c.266G>A, p.Arg89His (NM_006640.5); short protein forms R88H, R89H, R107H, R100H.
Identifiers: ClinVar variation 3008085 (VCV003008085.3), dbSNP rs779842220, ClinGen allele CA8793173.

ClinVar aggregate classification (germline): Uncertain significance (1 of 4 stars; one submission).

Allele frequency attached by ClinVar (database versions not stated): ExAC 0.00002; gnomAD exomes 0.00001; TOPMed 0.00002.
gnomAD v4.1: 19 of 1,612,486 alleles (0.0012%); highest among the groups gnomAD compares: Non-Finnish European, 0.0015%; no homozygotes.

Submission:

Labcorp Genetics (formerly Invitae), Labcorp
Classification: Uncertain significance. Last evaluated: 2025-11-16. Review status: criteria provided, single submitter. Criteria: Invitae Variant Classification Sherloc (09022015). Collection method: clinical testing. Allele origin: germline.
Comment: This sequence change replaces arginine, which is basic and polar, with histidine, which is basic and polar, at codon 89 of the SEPT9 protein (p.Arg89His). This variant is present in population databases (rs779842220, gnomAD 0.004%). This variant has not been reported in the literature in individuals affected with SEPT9-related conditions. ClinVar contains an entry for this variant (Variation ID: 3008085). Invitae Evidence Modeling of protein sequence and biophysical properties (such as structural, functional, and spatial information, amino acid conservation, physicochemical variation, residue mobility, and thermodynamic stability) indicates that this missense variant is not expected to disrupt SEPT9 protein function with a negative predictive value of 80%. In summary, the available evidence is currently insufficient to determine the role of this variant in disease. Therefore, it has been classified as a Variant of Uncertain Significance.